The following is an entry in ClinVar:

ClinVar aggregate classification (germline): Likely pathogenic (1 of 4 stars; one submission).

Conditions:
Glucocorticoid deficiency with achalasia (AAAS). Also called: ALACRIMA-ACHALASIA-ADRENAL INSUFFICIENCY NEUROLOGIC DISORDER; Triple-A syndrome; Addisonian achalasia syndrome; Achalasia-addisonianism-alacrimia syndrome; AAA syndrome; Allgrove syndrome. Identifiers: Orphanet 869, MedGen C0271742, MONDO:0009279, OMIM 231550.

gnomAD v4.1: 3 of 1,613,574 alleles (0.00019%); highest among the groups gnomAD compares: South Asian, 0.0011%; no homozygotes.

Submission:

Juno Genomics, Hangzhou Juno Genomics, Inc
Classification: Likely pathogenic for Glucocorticoid deficiency with achalasia. Review status: criteria provided, single submitter. Criteria: ACMG Guidelines, 2015. Collection method: clinical testing. Allele origin: germline.
Comment: Null variant in a gene where loss of function (LOF) is a known mechanism of disease.;Absent from controls (or at extremely low frequency if recessive) in Genome Aggregation Database.

NM_015665.6(AAAS):c.307+1G>T

Gene: AAAS (aladin WD repeat nucleoporin; minus strand). Cytogenetic location: 12q13.13.
Variant type: single nucleotide variant.
Coding change: c.307+1G>T on transcript NM_015665.6 (MANE Select); the canonical splice donor site of the intron after coding-DNA position 307, G replaced by T.
Molecular consequence: splice donor variant.
Genome position (GRCh38, 1-based): chr12:53,315,726, C>A on the plus strand (G>T on the coding strand, the complement: AAAS is on the minus strand). VCF-style: chr12-53315726-C-A. GRCh37 (hg19) VCF-style: chr12-53709510-C-A.
Other names: c.307+1G>T (NM_001173466.2).
Identifiers: ClinVar variation 5005132 (VCV005005132.2).